The following is an entry in ClinVar:

ClinVar aggregate classification (germline): Uncertain significance. Review status: criteria provided, multiple submitters, no conflicts (2 of 4 stars). 3 submissions from 3 submitters: Uncertain significance (2). 1 of the submissions does not count toward it. Last evaluated 2023-03-17.

Conditions:
Enhanced S-cone syndrome (ESCS). Identifiers: Orphanet 53540, MedGen C1849394, MONDO:0100288, MONDO:0009989.

Submissions (3):

Labcorp Genetics (formerly Invitae), Labcorp
Classification: Uncertain significance. Last evaluated: 2023-03-17. Review status: criteria provided, single submitter. Criteria: Invitae Variant Classification Sherloc (09022015). Collection method: clinical testing. Allele origin: germline.
Comment: In summary, the available evidence is currently insufficient to determine the role of this variant in disease. Therefore, it has been classified as a Variant of Uncertain Significance. This variant, c.238_240del, results in the deletion of 1 amino acid(s) of the NR2E3 protein (p.Ile80del), but otherwise preserves the integrity of the reading frame. This variant is not present in population databases (gnomAD no frequency). This variant has not been reported in the literature in individuals affected with NR2E3-related conditions. ClinVar contains an entry for this variant (Variation ID: 867158). Experimental studies and prediction algorithms are not available or were not evaluated, and the functional significance of this variant is currently unknown.

Blueprint Genetics
Classification: Uncertain significance. Last evaluated: 2019-05-19. Review status: criteria provided, single submitter. Criteria: ACMG Guidelines, 2015. Collection method: clinical testing. Allele origin: germline.

Natera, Inc.
Classification: Uncertain significance for Enhanced S cone syndrome. Last evaluated: 2021-07-28. Review status: no assertion criteria provided. Collection method: clinical testing. Allele origin: germline. Not counted in ClinVar's aggregate classification.

NM_014249.4(NR2E3):c.238_240del (p.Ile80del)

Gene: NR2E3 (nuclear receptor subfamily 2 group E member 3; plus strand). Cytogenetic location: 15q23.
Variant type: Deletion.
Coding change: c.238_240del on transcript NM_014249.4 (MANE Select); coding-DNA positions 238 to 240, 3 bases deleted (ATC; older notation c.238_240delATC).
Protein change: p.Ile80del; deletes isoleucine 80.
Molecular consequence: inframe deletion.
Genome position (GRCh38, 1-based): chr15:71,811,602-71,811,604, ATC deleted; deleting any 3 consecutive bases within chr15:71,811,600-71,811,604 gives the same sequence; the c. name uses the placement nearest the transcript's 3' end. VCF-style (leftmost placement, unchanged base first): chr15-71811599-CTCA-C. GRCh37 (hg19) VCF-style: chr15-72103939-CTCA-C.
Other names: c.238_240del, p.Ile80del (NM_016346.4); short protein forms I80del.
Identifiers: ClinVar variation 867158 (VCV000867158.14), dbSNP rs2054181345, ClinGen allele CA916083435.